The following is an entry in ClinVar:

ClinVar aggregate classification (germline): Pathogenic. Review status: criteria provided, multiple submitters, no conflicts (2 of 4 stars). 2 submissions from 2 submitters: Pathogenic (2). Last evaluated 2025-03-11.

Conditions:
Hereditary cancer-predisposing syndrome. Also called: Hereditary neoplastic syndrome; Neoplastic Syndromes, Hereditary; Tumor predisposition; Hereditary Cancer Syndrome. Identifiers: Orphanet 140162, MedGen C0027672, MeSH D009386, MONDO:0015356.
Ataxia-telangiectasia syndrome (AT). Also called: Ataxia telangiectasia (A-T); LOUIS-BAR SYNDROME; Cerebello-oculocutaneous telangiectasia; Immunodeficiency with ataxia telangiectasia; Ataxia-telangiectasia, complementation group D; AT, COMPLEMENTATION GROUP C. Identifiers: Orphanet 100, MedGen C0004135, MONDO:0008840, OMIM 208900.

Submissions (2):

Ambry Genetics
Classification: Pathogenic for Hereditary cancer-predisposing syndrome. Last evaluated: 2025-03-11. Review status: criteria provided, single submitter. Criteria: Ambry Variant Classification Scheme 2023. Collection method: clinical testing. Allele origin: germline.
Comment: The p.W1750* pathogenic mutation (also known as c.5249G>A), located in coding exon 34 of the ATM gene, results from a G to A substitution at nucleotide position 5249. This changes the amino acid from a tryptophan to a stop codon within coding exon 34. This variant is considered to be rare based on population cohorts in the Genome Aggregation Database (gnomAD). This alteration is expected to result in loss of function by premature protein truncation or nonsense-mediated mRNA decay. As such, this alteration is interpreted as a disease-causing mutation.

Labcorp Genetics (formerly Invitae), Labcorp
Classification: Pathogenic for Ataxia-telangiectasia syndrome. Last evaluated: 2024-07-04. Review status: criteria provided, single submitter. Criteria: Invitae Variant Classification Sherloc (09022015). Collection method: clinical testing. Allele origin: germline.
Comment: This sequence change creates a premature translational stop signal (p.Trp1750*) in the ATM gene. It is expected to result in an absent or disrupted protein product. Loss-of-function variants in ATM are known to be pathogenic (PMID: 23807571, 25614872). This variant is not present in population databases (gnomAD no frequency). This variant has not been reported in the literature in individuals affected with ATM-related conditions. ClinVar contains an entry for this variant (Variation ID: 407671). Algorithms developed to predict the effect of sequence changes on RNA splicing suggest that this variant may disrupt the consensus splice site. For these reasons, this variant has been classified as Pathogenic.

Literature cited by the submitters: PubMed 23807571 (cited by Labcorp Genetics (formerly Invitae), Labcorp); PubMed 25614872 (cited by Labcorp Genetics (formerly Invitae), Labcorp).

NM_000051.4(ATM):c.5249G>A (p.Trp1750Ter)

Gene: ATM (ATM serine/threonine kinase; plus strand). Cytogenetic location: 11q22.3.
Variant type: single nucleotide variant.
Coding change: c.5249G>A on transcript NM_000051.4 (MANE Select); coding-DNA position 5249, G replaced by A.
Protein change: p.Trp1750Ter; replaces tryptophan 1750 with a stop codon.
Molecular consequence: nonsense.
Genome position (GRCh38, 1-based): chr11:108,301,719, G>A. VCF-style: chr11-108301719-G-A. GRCh37 (hg19) VCF-style: chr11-108172446-G-A.
Other names: c.5249G>A, p.Trp1750Ter (NM_001351834.2); short protein forms W1750*.
Identifiers: ClinVar variation 407671 (VCV000407671.7), dbSNP rs1060501669, ClinGen allele CA16613066.